The following is an entry in ClinVar:

NM_005477.3(HCN4):c.2810A>G (p.Gln937Arg)

Gene: HCN4 (hyperpolarization activated cyclic nucleotide gated potassium channel 4; minus strand). Cytogenetic location: 15q24.1.
Variant type: single nucleotide variant.
Coding change: c.2810A>G on transcript NM_005477.3 (MANE Select); coding-DNA position 2810, A replaced by G.
Protein change: p.Gln937Arg; replaces glutamine 937 with arginine.
Molecular consequence: missense variant.
Genome position (GRCh38, 1-based): chr15:73,323,283, T>C on the plus strand (A>G on the coding strand, the complement: HCN4 is on the minus strand). VCF-style: chr15-73323283-T-C. GRCh37 (hg19) VCF-style: chr15-73615624-T-C.
Other names: short protein forms Q937R.
Identifiers: ClinVar variation 5002708 (VCV005002708.1).

ClinVar aggregate classification (germline): Uncertain significance (1 of 4 stars; one submission).

Conditions:
Brugada syndrome 8 (BRGDA8). Identifiers: Orphanet 130, MedGen C2751083, MONDO:0013148, OMIM 613123.

Submission:

OLLIN Analises Genomicas, OLLIN
Classification: Uncertain significance for Brugada syndrome 8. Last evaluated: 2026-08-06. Review status: criteria provided, single submitter. Criteria: ACMG Guidelines 2015 PMID 25741868. Collection method: clinical testing. Allele origin: germline.
Comment: This missense variant, located in exon 8 (of 8), is absent from gnomAD and ClinVar and has not been identified in the literature. In silico analysis predicts that this variant has a tolerated effect. According to the currently available evidence, this variant has been classified as uncertain significance (PM2_P, BP4).